The following is an entry in ClinVar:

ClinVar aggregate classification (germline): Uncertain significance (1 of 4 stars; one submission).

Conditions:
Cardiovascular phenotype. Identifiers: MedGen CN230736.

Submission:

Ambry Genetics
Classification: Uncertain significance for Cardiovascular phenotype. Last evaluated: 2020-05-04. Review status: criteria provided, single submitter. Criteria: Ambry Variant Classification Scheme 2023. Collection method: clinical testing. Allele origin: germline.
Comment: The p.Q1100* variant (also known as c.3298C>T), located in coding exon 23 of the MYH6 gene, results from a C to T substitution at nucleotide position 3298. This changes the amino acid from a glutamine to a stop codon within coding exon 23. This alteration is expected to result in premature protein truncation or nonsense-mediated mRNA decay. However, loss of function of MYH6 has not been clearly established as a mechanism of disease. Since supporting evidence is limited at this time, the clinical significance of this alteration remains unclear.

NM_002471.4(MYH6):c.3298C>T (p.Gln1100Ter)

Gene: MYH6 (myosin heavy chain 6; minus strand). Cytogenetic location: 14q11.2.
Variant type: single nucleotide variant.
Coding change: c.3298C>T on transcript NM_002471.4 (MANE Select); coding-DNA position 3298, C replaced by T.
Protein change: p.Gln1100Ter; replaces glutamine 1100 with a stop codon.
Molecular consequence: nonsense.
Genome position (GRCh38, 1-based): chr14:23,392,606, G>A on the plus strand (C>T on the coding strand, the complement: MYH6 is on the minus strand). VCF-style: chr14-23392606-G-A. GRCh37 (hg19) VCF-style: chr14-23861815-G-A.
Other names: short protein forms Q1100*.
Identifiers: ClinVar variation 1729904 (VCV001729904.2), dbSNP rs2502165977, ClinGen allele CA389007195.